The following is an entry in ClinVar:

NM_012463.4(ATP6V0A2):c.1562T>C (p.Ile521Thr)

Gene: ATP6V0A2 (ATPase H+ transporting V0 subunit a2; plus strand). Cytogenetic location: 12q24.31.
Variant type: single nucleotide variant.
Coding change: c.1562T>C on transcript NM_012463.4 (MANE Select); coding-DNA position 1562, T replaced by C.
Protein change: p.Ile521Thr; replaces isoleucine 521 with threonine.
Molecular consequence: missense variant.
Genome position (GRCh38, 1-based): chr12:123,744,929, T>C. VCF-style: chr12-123744929-T-C. GRCh37 (hg19) VCF-style: chr12-124229476-T-C.
Other names: short protein forms I521T.
Identifiers: ClinVar variation 3369576 (VCV003369576.1).

ClinVar aggregate classification (germline): Uncertain significance (1 of 4 stars; one submission).

gnomAD v4.1: 3 of 1,614,222 alleles (0.00019%); highest among the groups gnomAD compares: East Asian, 0.0067%; no homozygotes.

Submission:

GeneDx
Classification: Uncertain significance. Last evaluated: 2024-02-27. Review status: criteria provided, single submitter. Criteria: GeneDx Variant Classification Process June 2021. Collection method: clinical testing. Allele origin: germline. Affected: yes.
Comment: Not observed at significant frequency in large population cohorts (gnomAD); In silico analysis supports that this missense variant does not alter protein structure/function; Has not been previously published as pathogenic or benign to our knowledge